The following is an entry in ClinVar:

ClinVar aggregate classification (germline): Uncertain significance (1 of 4 stars; one submission).

Submission:

GeneDx
Classification: Uncertain significance. Last evaluated: 2023-11-01. Review status: criteria provided, single submitter. Criteria: GeneDx Variant Classification Process June 2021. Collection method: clinical testing. Allele origin: germline. Affected: yes.
Comment: Has not been previously published as pathogenic or benign to our knowledge; Not observed at significant frequency in large population cohorts (gnomAD); In silico analysis supports that this missense variant has a deleterious effect on protein structure/function

NM_201631.4(TGM5):c.856T>C (p.Cys286Arg)

Gene: TGM5 (transglutaminase 5; minus strand). Cytogenetic location: 15q15.2.
Variant type: single nucleotide variant.
Coding change: c.856T>C on transcript NM_201631.4 (MANE Select); coding-DNA position 856, T replaced by C.
Protein change: p.Cys286Arg; replaces cysteine 286 with arginine.
Molecular consequence: missense variant.
Genome position (GRCh38, 1-based): chr15:43,252,765, A>G on the plus strand (T>C on the coding strand, the complement: TGM5 is on the minus strand). VCF-style: chr15-43252765-A-G. GRCh37 (hg19) VCF-style: chr15-43544963-A-G.
Other names: c.610T>C, p.Cys204Arg (NM_004245.4); short protein forms C204R, C286R.
Identifiers: ClinVar variation 3363823 (VCV003363823.1).